The following is an entry in ClinVar:

ClinVar aggregate classification (germline): Uncertain significance (1 of 4 stars; one submission).

Conditions:
Progressive familial heart block type IB (PFHB1B). Identifiers: Orphanet 871, MedGen C1970298, MONDO:0011474, OMIM 604559.

Allele frequency attached by ClinVar (database versions not stated): ExAC 0.00001; gnomAD 0.00001; gnomAD exomes 0.00001; TOPMed 0.00001.
gnomAD v4.1: 23 of 1,613,766 alleles (0.0014%); highest among the groups gnomAD compares: Non-Finnish European, 0.0019%; no homozygotes.

Submission:

Labcorp Genetics (formerly Invitae), Labcorp
Classification: Uncertain significance for Progressive familial heart block type IB. Last evaluated: 2025-12-13. Review status: criteria provided, single submitter. Criteria: Invitae Variant Classification Sherloc (09022015). Collection method: clinical testing. Allele origin: germline.
Comment: This sequence change replaces lysine, which is basic and polar, with asparagine, which is neutral and polar, at codon 16 of the TRPM4 protein (p.Lys16Asn). This variant is present in population databases (rs776066828, gnomAD 0.004%). This variant has not been reported in the literature in individuals affected with TRPM4-related conditions. ClinVar contains an entry for this variant (Variation ID: 2150618). An algorithm developed to predict the effect of missense changes on protein structure and function (PolyPhen-2) suggests that this variant is likely to be disruptive. In summary, the available evidence is currently insufficient to determine the role of this variant in disease. Therefore, it has been classified as a Variant of Uncertain Significance.

NM_017636.4(TRPM4):c.48G>C (p.Lys16Asn)

Gene: TRPM4 (transient receptor potential cation channel subfamily M member 4; plus strand). Cytogenetic location: 19q13.33.
Variant type: single nucleotide variant.
Coding change: c.48G>C on transcript NM_017636.4 (MANE Select); coding-DNA position 48, G replaced by C.
Protein change: p.Lys16Asn; replaces lysine 16 with asparagine.
Molecular consequence: missense variant. On other transcripts: 5 prime UTR variant (3).
Genome position (GRCh38, 1-based): chr19:49,158,215, G>C. VCF-style: chr19-49158215-G-C. GRCh37 (hg19) VCF-style: chr19-49661472-G-C.
Other names: c.48G>C, p.Lys16Asn (NM_001195227.2, NM_001321281.2); c.-1325G>C (NM_001321282.2); c.-119G>C (NM_001321283.2); c.-282G>C (NM_001321285.2); short protein forms K16N.
Identifiers: ClinVar variation 2150618 (VCV002150618.4), dbSNP rs776066828, ClinGen allele CA9568654.